The following is an entry in ClinVar:

NM_000215.4(JAK3):c.499G>A (p.Val167Met)

Gene: JAK3 (Janus kinase 3; minus strand). Cytogenetic location: 19p13.11.
Variant type: single nucleotide variant.
Coding change: c.499G>A on transcript NM_000215.4 (MANE Select); coding-DNA position 499, G replaced by A.
Protein change: p.Val167Met; replaces valine 167 with methionine.
Molecular consequence: missense variant.
Genome position (GRCh38, 1-based): chr19:17,843,094, C>T on the plus strand (G>A on the coding strand, the complement: JAK3 is on the minus strand). VCF-style: chr19-17843094-C-T. GRCh37 (hg19) VCF-style: chr19-17953903-C-T.
Other names: short protein forms V167M.
Identifiers: ClinVar variation 835177 (VCV000835177.9), dbSNP rs973863737, ClinGen allele CA306140960.

ClinVar aggregate classification (germline): Uncertain significance (1 of 4 stars; one submission).

Conditions:
T-B+ severe combined immunodeficiency due to JAK3 deficiency. Also called: SCID, autosomal recessive, T-negative/B-positive type; SCID, T CELL-NEGATIVE, B CELL-POSITIVE, NK CELL-NEGATIVE. Identifiers: Orphanet 35078, MedGen C1833275, MONDO:0010938, OMIM 600802.

Allele frequency attached by ClinVar (database versions not stated): gnomAD exomes below 0.00001 and 0.00001; gnomAD 0.00001; TOPMed 0.00002.
gnomAD v4.1: 9 of 1,610,456 alleles (0.00056%); highest among the groups gnomAD compares: African/African-American, 0.0013%; no homozygotes.

Submission:

Labcorp Genetics (formerly Invitae), Labcorp
Classification: Uncertain significance for T-B+ severe combined immunodeficiency due to JAK3 deficiency. Last evaluated: 2023-08-04. Review status: criteria provided, single submitter. Criteria: Invitae Variant Classification Sherloc (09022015). Collection method: clinical testing. Allele origin: germline.
Comment: In summary, the available evidence is currently insufficient to determine the role of this variant in disease. Therefore, it has been classified as a Variant of Uncertain Significance. An algorithm developed to predict the effect of missense changes on protein structure and function (PolyPhen-2) suggests that this variant is likely to be disruptive. ClinVar contains an entry for this variant (Variation ID: 835177). This variant has not been reported in the literature in individuals affected with JAK3-related conditions. This variant is present in population databases (no rsID available, gnomAD 0.0009%). This sequence change replaces valine, which is neutral and non-polar, with methionine, which is neutral and non-polar, at codon 167 of the JAK3 protein (p.Val167Met).